The following is an entry in ClinVar:

ClinVar aggregate classification (germline): Uncertain significance (1 of 4 stars; one submission).

Conditions:
Hereditary spastic paraplegia 11. Also called: Nakamura Osame syndrome; Autosomal recessive hereditary spastic paraplegia, mental impairment, and thin corpus callosum; Spastic Paraplegia 11; Spastic paraplegia, mental retardation and thin corpus callosum; SPASTIC PARAPLEGIA, AUTOSOMAL RECESSIVE, COMPLICATED, WITH THIN CORPUS CALLOSUM; SPASTIC PARAPLEGIA, AUTOSOMAL RECESSIVE, WITH MENTAL IMPAIRMENT AND THIN CORPUS CALLOSUM. Identifiers: Orphanet 2822, MedGen C1858479, MONDO:0011445, OMIM 604360.

Submission:

Labcorp Genetics (formerly Invitae), Labcorp
Classification: Uncertain significance for Hereditary spastic paraplegia 11. Last evaluated: 2022-07-23. Review status: criteria provided, single submitter. Criteria: Invitae Variant Classification Sherloc (09022015). Collection method: clinical testing. Allele origin: germline.
Comment: ClinVar contains an entry for this variant (Variation ID: 970330). In summary, the available evidence is currently insufficient to determine the role of this variant in disease. Therefore, it has been classified as a Variant of Uncertain Significance. Algorithms developed to predict the effect of missense changes on protein structure and function output the following: SIFT: "Tolerated"; PolyPhen-2: "Possibly Damaging"; Align-GVGD: "Class C0". The serine amino acid residue is found in multiple mammalian species, which suggests that this missense change does not adversely affect protein function. This variant has not been reported in the literature in individuals affected with SPG11-related conditions. This variant is not present in population databases (gnomAD no frequency). This sequence change replaces threonine, which is neutral and polar, with serine, which is neutral and polar, at codon 629 of the SPG11 protein (p.Thr629Ser).

NM_025137.4(SPG11):c.1885A>T (p.Thr629Ser)

Gene: SPG11 (SPG11 vesicle trafficking associated, spatacsin; minus strand). Cytogenetic location: 15q21.1.
Variant type: single nucleotide variant.
Coding change: c.1885A>T on transcript NM_025137.4 (MANE Select); coding-DNA position 1885, A replaced by T.
Protein change: p.Thr629Ser; replaces threonine 629 with serine.
Molecular consequence: missense variant.
Genome position (GRCh38, 1-based): chr15:44,629,239, T>A on the plus strand (A>T on the coding strand, the complement: SPG11 is on the minus strand). VCF-style: chr15-44629239-T-A. GRCh37 (hg19) VCF-style: chr15-44921437-T-A.
Other names: c.1885A>T, p.Thr629Ser (NM_001160227.2); short protein forms T629S.
Identifiers: ClinVar variation 970330 (VCV000970330.10), dbSNP rs2083988991, ClinGen allele CA392234465.